The following is an entry in ClinVar:

NM_020442.6(VARS2):c.-28+14G>C

Gene: VARS2 (valyl-tRNA synthetase 2, mitochondrial; plus strand). Cytogenetic location: 6p21.33.
Variant type: single nucleotide variant.
Coding change: c.-28+14G>C on transcript NM_020442.6 (MANE Select); 14 bases into the intron after 28 bases upstream of the start codon, G replaced by C.
Molecular consequence: intron variant. On other transcripts: 5 prime UTR variant (1).
Genome position (GRCh38, 1-based): chr6:30,914,358, G>C. VCF-style: chr6-30914358-G-C. GRCh37 (hg19) VCF-style: chr6-30882135-G-C.
Other names: c.-54G>C (NM_001167734.2); c.-220+14G>C (NM_001167733.3).
Identifiers: ClinVar variation 383278 (VCV000383278.1), dbSNP rs1057521574, ClinGen allele CA16604923.

ClinVar aggregate classification (germline): Likely benign (1 of 4 stars; one submission).

Allele frequency attached by ClinVar (database versions not stated): gnomAD exomes below 0.00001; TOPMed 0.00001.

Submission:

GeneDx
Classification: Likely benign. Last evaluated: 2016-02-23. Review status: criteria provided, single submitter. Criteria: GeneDx Variant Classification (06012015). Collection method: clinical testing. Allele origin: germline. Affected: yes.
Comment: This variant is considered likely benign or benign based on one or more of the following criteria: it is a conservative change, it occurs at a poorly conserved position in the protein, it is predicted to be benign by multiple in silico algorithms, and/or has population frequency not consistent with disease.